The following is an entry in ClinVar:

NC_000002.11:g.(?_179480014)_(179501546_?)dup

Gene: TTN (titin; minus strand). Cytogenetic location: 2q31.2.
Variant type: Duplication.
Identifiers: ClinVar variation 2424054 (VCV002424054.5).

ClinVar aggregate classification (germline): Uncertain significance (1 of 4 stars; one submission).

Conditions:
Dilated cardiomyopathy 1G (CMD1G). Identifiers: Orphanet 154, MedGen C1858763, MONDO:0011400, OMIM 604145.
Autosomal recessive limb-girdle muscular dystrophy type 2J (LGMDR10). Also called: MUSCULAR DYSTROPHY, LIMB-GIRDLE, AUTOSOMAL RECESSIVE 10; Limb-girdle muscular dystrophy, type 2J. Identifiers: Orphanet 140922, MedGen C1837342, MONDO:0012127, OMIM 608807.

Submission:

Labcorp Genetics (formerly Invitae), Labcorp
Classification: Uncertain significance for Dilated cardiomyopathy 1G; Autosomal recessive limb-girdle muscular dystrophy type 2J. Last evaluated: 2021-12-23. Review status: criteria provided, single submitter. Criteria: Invitae Variant Classification Sherloc (09022015). Collection method: clinical testing. Allele origin: germline.
Comment: This variant results in a copy number gain of the genomic region encompassing exon(s) 225-259 of the TTN gene. While the exact position of this variant cannot be determined from the data, sub-genic copy number gains are generally in tandem (PMID: 25640679). This variant is predicted to be out-of-frame, and may result in an absent or disrupted protein product. This variant has not been reported in the literature in individuals affected with TTN-related conditions. This variant spans the I and A bands of TTN (PMID: 25589632). It is unclear how this variant impacts the function of this protein. In summary, the available evidence is currently insufficient to determine the role of this variant in disease. Therefore, it has been classified as a Variant of Uncertain Significance.

Literature cited by the submitters: PubMed 25640679; PubMed 25589632.